The following is an entry in ClinVar:

ClinVar aggregate classification (germline): Pathogenic/Likely pathogenic. Review status: criteria provided, multiple submitters, no conflicts (2 of 4 stars). 4 submissions from 4 submitters: Pathogenic (1); Likely pathogenic (2). 1 of the submissions does not count toward it. Last evaluated 2024-08-25.

Conditions:
Baraitser-Winter syndrome 1 (BRWS1). Also called: BARAITSER-WINTER SYNDROME 1, ATYPICAL; MENTAL RETARDATION WITH EPILEPSY AND CHARACTERISTIC FACIES; PACHYGYRIA, MENTAL RETARDATION, EPILEPSY, AND CHARACTERISTIC FACIES; Cerebrofrontofacial syndrome. Identifiers: Orphanet 2649, Orphanet 2995, MedGen C1855722, MONDO:0009470, OMIM 243310.
Inborn genetic diseases. Identifiers: MedGen C0950123, MeSH D030342.

Submissions (4):

GeneDx
Classification: Pathogenic. Last evaluated: 2024-08-25. Review status: criteria provided, single submitter. Criteria: GeneDx Variant Classification Process June 2021. Collection method: clinical testing. Allele origin: germline. Affected: yes.
Comment: Frameshift variant predicted to result in abnormal protein length as the last 8 amino acids are replaced with 12 different amino acids; Not observed at significant frequency in large population cohorts (gnomAD); This variant is associated with the following publications: (PMID: 37500730, 35313204, 29220674)

Labcorp Genetics (formerly Invitae), Labcorp
Classification: Likely pathogenic for Baraitser-Winter syndrome 1. Last evaluated: 2024-02-29. Review status: criteria provided, single submitter. Criteria: Invitae Variant Classification Sherloc (09022015). Collection method: clinical testing. Allele origin: germline.
Comment: This sequence change results in a frameshift in the ACTB gene (p.Ser368Leufs*13). While this is not anticipated to result in nonsense mediated decay, it is expected to disrupt the last 8 amino acid(s) of the ACTB protein and extend the protein by 4 additional amino acid residues. This variant is not present in population databases (gnomAD no frequency). This frameshift has been observed in individual(s) with clinical features of ACTB-related conditions (PMID: 29220674, 30315159; Invitae). In at least one individual the variant was observed to be de novo. ClinVar contains an entry for this variant (Variation ID: 495294). Algorithms developed to predict the effect of variants on protein structure and function are not available or were not evaluated for this variant. Experimental studies have shown that this frameshift affects ACTB function (PMID: 35313204). In summary, the currently available evidence indicates that the variant is pathogenic, but additional data are needed to prove that conclusively. Therefore, this variant has been classified as Likely Pathogenic.

Ambry Genetics
Classification: Likely pathogenic for Inborn genetic diseases. Last evaluated: 2018-03-21. Review status: criteria provided, single submitter. Criteria: Ambry exome assertion method (8-5-2015). Collection method: clinical testing. Allele origin: germline. Affected: yes. Observed: 1 variant allele.

OMIM
Classification: Pathogenic for BARAITSER-WINTER SYNDROME 1. Last evaluated: 2023-08-24. Review status: no assertion criteria provided. Collection method: literature only. Allele origin: germline. Not counted in ClinVar's aggregate classification.

Literature cited by the submitters: PubMed 29220674 (cited by Labcorp Genetics (formerly Invitae), Labcorp and OMIM); PubMed 30315159 (cited by Labcorp Genetics (formerly Invitae), Labcorp); PubMed 35313204 (cited by Labcorp Genetics (formerly Invitae), Labcorp and OMIM).

NM_001101.5(ACTB):c.1097dup (p.Ser368fs)

Gene: ACTB (actin beta; minus strand). Cytogenetic location: 7p22.1.
Variant type: Duplication.
Coding change: c.1097dup on transcript NM_001101.5 (MANE Select); coding-DNA position 1097, one base duplicated (G; older notation c.1097dupG).
Protein change: p.Ser368fs; shifts the reading frame from serine 368.
Molecular consequence: frameshift variant.
Genome position (GRCh38, 1-based): chr7:5,527,779, C duplicated on the plus strand (G on the coding strand, the reverse complement: ACTB is on the minus strand); the first of 2 consecutive C bases (chr7:5,527,779-5,527,780); duplicating either gives the same sequence. VCF-style (leftmost placement, unchanged base first): chr7-5527778-G-GC. GRCh37 (hg19) VCF-style: chr7-5567409-G-GC.
Other names: c.1097dup (LRG_132t1, NM_001101.3); c.1097dupG (NM_001101.3); short protein forms S368fs.
Identifiers: ClinVar variation 495294 (VCV000495294.9), dbSNP rs1554329078, ClinGen allele CA658683477.